The following is an entry in ClinVar:

ClinVar aggregate classification (germline): Uncertain significance. Review status: criteria provided, multiple submitters, no conflicts (2 of 4 stars). 2 submissions from 2 submitters: Uncertain significance (2). Last evaluated 2023-08-16.

Allele frequency attached by ClinVar (database versions not stated): TOPMed below 0.00001; gnomAD exomes 0.00001; gnomAD 0.00002.
gnomAD v4.1: 11 of 1,614,010 alleles (0.00068%); highest among the groups gnomAD compares: African/African-American, 0.0093%; no homozygotes.

Submissions (2):

Labcorp Genetics (formerly Invitae), Labcorp
Classification: Uncertain significance. Last evaluated: 2023-08-16. Review status: criteria provided, single submitter. Criteria: Invitae Variant Classification Sherloc (09022015). Collection method: clinical testing. Allele origin: germline.
Comment: In summary, the available evidence is currently insufficient to determine the role of this variant in disease. Therefore, it has been classified as a Variant of Uncertain Significance. Advanced modeling of protein sequence and biophysical properties (such as structural, functional, and spatial information, amino acid conservation, physicochemical variation, residue mobility, and thermodynamic stability) performed at Invitae indicates that this missense variant is not expected to disrupt TRPM1 protein function. This variant has not been reported in the literature in individuals affected with TRPM1-related conditions. This variant is present in population databases (no rsID available, gnomAD 0.02%). This sequence change replaces aspartic acid, which is acidic and polar, with asparagine, which is neutral and polar, at codon 602 of the TRPM1 protein (p.Asp602Asn).

Blueprint Genetics
Classification: Uncertain significance. Last evaluated: 2021-06-01. Review status: criteria provided, single submitter. Criteria: ACMG Guidelines, 2015. Collection method: clinical testing. Allele origin: germline.

NM_001252024.2(TRPM1):c.1870G>A (p.Asp624Asn)

Gene: TRPM1 (transient receptor potential cation channel subfamily M member 1; minus strand). Cytogenetic location: 15q13.3.
Variant type: single nucleotide variant.
Coding change: c.1870G>A on transcript NM_001252024.2 (MANE Select); coding-DNA position 1870, G replaced by A.
Protein change: p.Asp624Asn; replaces aspartic acid 624 with asparagine.
Molecular consequence: missense variant.
Genome position (GRCh38, 1-based): chr15:31,042,168, C>T on the plus strand (G>A on the coding strand, the complement: TRPM1 is on the minus strand). VCF-style: chr15-31042168-C-T. GRCh37 (hg19) VCF-style: chr15-31334371-C-T.
Other names: c.1921G>A, p.Asp641Asn (NM_001252020.2); c.1804G>A, p.Asp602Asn (NM_002420.6); short protein forms D624N, D641N, D602N.
Identifiers: ClinVar variation 2906531 (VCV002906531.4), dbSNP rs1333692134, ClinGen allele CA391512570.